The following is an entry in ClinVar:

ClinVar aggregate classification (germline): Uncertain significance (1 of 4 stars; one submission).

Conditions:
Familial thoracic aortic aneurysm and aortic dissection (TAAD). Also called: Thoracic aortic aneurysms and dissections. Identifiers: Orphanet 91387, MedGen C4707243, MONDO:0019625.

Submission:

Ambry Genetics
Classification: Uncertain significance for Familial thoracic aortic aneurysm and aortic dissection. Last evaluated: 2026-09-14. Review status: criteria provided, single submitter. Criteria: Ambry Variant Classification Scheme 2023. Collection method: clinical testing. Allele origin: germline.
Comment: The p.L2559P variant (also known as c.7676T>C), located in coding exon 45 of the FLNA gene, results from a T to C substitution at nucleotide position 7676. The leucine at codon 2559 is replaced by proline, an amino acid with similar properties. This amino acid position is conserved. In addition, this alteration is predicted to be deleterious by in silico analysis. Based on the available evidence, the clinical significance of this variant remains unclear.

NM_001110556.2(FLNA):c.7700T>C (p.Leu2567Pro)

Genes: FLNA (filamin A; minus strand), LOC107988032 (Xq28 proximal FLNA-EMD recombination region; plus strand). Cytogenetic location: Xq28.
Variant type: single nucleotide variant.
Coding change: c.7700T>C on transcript NM_001110556.2 (MANE Select); coding-DNA position 7700, T replaced by C.
Protein change: p.Leu2567Pro; replaces leucine 2567 with proline.
Molecular consequence: missense variant.
Genome position (GRCh38, 1-based): chrX:154,349,418, A>G on the plus strand (T>C on the coding strand, the complement: FLNA is on the minus strand). VCF-style: chrX-154349418-A-G. GRCh37 (hg19) VCF-style: chrX-153577786-A-G.
Other names: c.7676T>C, p.Leu2559Pro (NM_001456.4); short protein forms L2567P, L2559P.
Identifiers: ClinVar variation 5021923 (VCV005021923.1).